The following is an entry in ClinVar:

ClinVar aggregate classification (germline): Uncertain significance. Review status: criteria provided, multiple submitters, no conflicts (2 of 4 stars). 2 submissions from 2 submitters: Uncertain significance (2). Last evaluated 2025-03-19.

Conditions:
Hereditary cancer-predisposing syndrome. Also called: Neoplastic Syndromes, Hereditary; Hereditary Cancer Syndrome; Tumor predisposition; Hereditary neoplastic syndrome. Identifiers: Orphanet 140162, MedGen C0027672, MeSH D009386, MONDO:0015356.

Submissions (2):

Ambry Genetics
Classification: Uncertain significance for Hereditary cancer-predisposing syndrome. Last evaluated: 2025-03-19. Review status: criteria provided, single submitter. Criteria: Ambry Variant Classification Scheme 2023. Collection method: clinical testing. Allele origin: germline.

Labcorp Genetics (formerly Invitae), Labcorp
Classification: Uncertain significance. Last evaluated: 2021-09-01. Review status: criteria provided, single submitter. Criteria: Invitae Variant Classification Sherloc (09022015). Collection method: clinical testing. Allele origin: germline.
Comment: This sequence change replaces histidine with tyrosine at codon 791 of the MSH3 protein (p.His791Tyr). The histidine residue is moderately conserved and there is a moderate physicochemical difference between histidine and tyrosine. This variant is not present in population databases (ExAC no frequency). This variant has not been reported in the literature in individuals affected with MSH3-related conditions. Algorithms developed to predict the effect of missense changes on protein structure and function are either unavailable or do not agree on the potential impact of this missense change (SIFT: "Deleterious"; PolyPhen-2: "Possibly Damaging"; Align-GVGD: "Class C0"). In summary, the available evidence is currently insufficient to determine the role of this variant in disease. Therefore, it has been classified as a Variant of Uncertain Significance.

NM_002439.5(MSH3):c.2371C>T (p.His791Tyr)

Gene: MSH3 (mutS homolog 3; plus strand). Cytogenetic location: 5q14.1.
Variant type: single nucleotide variant.
Coding change: c.2371C>T on transcript NM_002439.5 (MANE Select); coding-DNA position 2371, C replaced by T.
Protein change: p.His791Tyr; replaces histidine 791 with tyrosine.
Molecular consequence: missense variant.
Genome position (GRCh38, 1-based): chr5:80,778,772, C>T. VCF-style: chr5-80778772-C-T. GRCh37 (hg19) VCF-style: chr5-80074591-C-T.
Other names: c.2371C>T (NM_002439.3); short protein forms H791Y.
Identifiers: ClinVar variation 1379045 (VCV001379045.8), dbSNP rs2112007800, ClinGen allele CA360281807.